The following is an entry in ClinVar:

ClinVar aggregate classification (germline): Benign/Likely benign. Review status: criteria provided, multiple submitters, no conflicts (2 of 4 stars). 12 submissions from 12 submitters: Benign (2); Likely benign (8). 2 of the submissions do not count toward it. Last evaluated 2026-07-01.

Conditions:
Auditory neuropathy, autosomal dominant 3 (AUNA3). Identifiers: MedGen C5676964, MONDO:0859235, OMIM 619832.
Arrhythmogenic right ventricular dysplasia 5. Also called: ARRHYTHMOGENIC RIGHT VENTRICULAR DYSPLASIA, FAMILIAL, 5; Arrhythmogenic Right Ventricular Dysplasia/Cardiomyopathy 5. Identifiers: MedGen C1858379, MONDO:0011459, OMIM 604400.
Emery-Dreifuss muscular dystrophy 7, autosomal dominant (EDMD7). Also called: Emery-Dreifuss muscular dystrophy 7, AD. Identifiers: Orphanet 261, MedGen C3553060, MONDO:0013677, OMIM 614302.
Cardiovascular phenotype. Identifiers: MedGen CN230736.
Cardiomyopathy (CMYO). Also called: Cardiomyopathies. Identifiers: Orphanet 167848, MedGen C0878544, MONDO:0004994, HP:0001638. Inheritance: Various modes of inheritance.

Allele frequency attached by ClinVar (database versions not stated): gnomAD exomes 0.00004 and 0.00009; ExAC 0.00013; 1000 Genomes Project 30x 0.00031; gnomAD 0.00033 and 0.00036; TOPMed 0.00037; 1000 Genomes Project 0.00040; ESP Exome Variant Server 0.00046.
gnomAD v4.1: 107 of 1,611,826 alleles (0.0066%); highest among the groups gnomAD compares: African/African-American, 0.1%; no homozygotes.

Submissions (12):

CeGaT Center for Human Genetics Tuebingen
Classification: Likely benign. Last evaluated: 2026-07-01. Review status: criteria provided, single submitter. Criteria: CeGaT Center For Human Genetics Tuebingen Variant Classification Criteria Version 2. Collection method: clinical testing. Allele origin: germline. Affected: yes. Observed: 3 variant alleles.
Comment: TMEM43: BP4, BP7

Labcorp Genetics (formerly Invitae), Labcorp
Classification: Benign for Arrhythmogenic right ventricular dysplasia 5. Last evaluated: 2026-01-26. Review status: criteria provided, single submitter. Criteria: Invitae Variant Classification Sherloc (09022015). Collection method: clinical testing. Allele origin: germline.

Molecular Diagnostic Laboratory for Inherited Cardiovascular Disease, Montreal Heart Institute
Classification: Likely benign. Last evaluated: 2025-04-09. Review status: criteria provided, single submitter. Criteria: ACMG Guidelines, 2015. Collection method: clinical testing. Allele origin: germline. Affected: no.

Women's Health and Genetics/Laboratory Corporation of America, LabCorp
Classification: Benign. Last evaluated: 2024-05-13. Review status: criteria provided, single submitter. Criteria: LabCorp Variant Classification Summary - May 2015. Collection method: clinical testing. Allele origin: germline.

Blueprint Genetics
Classification: Likely benign. Last evaluated: 2021-11-11. Review status: criteria provided, single submitter. Criteria: ACMG Guidelines, 2015. Collection method: clinical testing. Allele origin: germline.

Fulgent Genetics
Classification: Likely benign for Arrhythmogenic right ventricular dysplasia 5; Emery-Dreifuss muscular dystrophy 7, autosomal dominant; Auditory neuropathy, autosomal dominant 3. Last evaluated: 2021-08-25. Review status: criteria provided, single submitter. Criteria: ACMG Guidelines, 2015. Collection method: clinical testing. Allele origin: unknown.

Color Diagnostics, LLC DBA Color Health
Classification: Likely benign for Cardiomyopathy. Last evaluated: 2019-01-31. Review status: criteria provided, single submitter. Criteria: ACMG Guidelines, 2015. Collection method: clinical testing. Allele origin: germline.

ARUP Laboratories, Molecular Genetics and Genomics, ARUP Laboratories
Classification: Likely benign. Last evaluated: 2019-01-11. Review status: criteria provided, single submitter. Criteria: ARUP Molecular Germline Variant Investigation Process. Collection method: clinical testing. Allele origin: germline.

GeneDx
Classification: Likely benign. Last evaluated: 2018-04-26. Review status: criteria provided, single submitter. Criteria: GeneDx Variant Classification (06012015). Collection method: clinical testing. Allele origin: germline. Affected: yes.
Comment: This variant is considered likely benign or benign based on one or more of the following criteria: it is a conservative change, it occurs at a poorly conserved position in the protein, it is predicted to be benign by multiple in silico algorithms, and/or has population frequency not consistent with disease.

Ambry Genetics
Classification: Likely benign for Cardiovascular phenotype. Last evaluated: 2016-06-15. Review status: criteria provided, single submitter. Criteria: Ambry Variant Classification Scheme 2023. Collection method: clinical testing. Allele origin: germline.

Clinical Genetics DNA and cytogenetics Diagnostics Lab, Erasmus MC, Erasmus Medical Center
Classification: Likely benign. Review status: no assertion criteria provided. Collection method: clinical testing. Allele origin: germline. Affected: yes. Study: VKGL Data-share Consensus. Not counted in ClinVar's aggregate classification.

Clinical Genetics, Academic Medical Center
Classification: Benign. Review status: no assertion criteria provided. Collection method: clinical testing. Allele origin: germline. Affected: yes. Study: VKGL Data-share Consensus. Not counted in ClinVar's aggregate classification.

NM_024334.3(TMEM43):c.777C>T (p.His259=)

Gene: TMEM43 (transmembrane protein 43; plus strand). Cytogenetic location: 3p25.1.
Variant type: single nucleotide variant.
Coding change: c.777C>T on transcript NM_024334.3 (MANE Select); coding-DNA position 777, C replaced by T.
Protein change: p.His259=; no amino-acid change (histidine 259 retained).
Molecular consequence: synonymous variant.
Genome position (GRCh38, 1-based): chr3:14,135,229, C>T. VCF-style: chr3-14135229-C-T. GRCh37 (hg19) VCF-style: chr3-14176729-C-T.
Identifiers: ClinVar variation 343507 (VCV000343507.34), dbSNP rs143958148, ClinGen allele CA055305.
Genomic context (GRCh38, chr3:14,135,229, plus strand): 5'-GCGTGTCTCCTTTTCCTATGCTGGACTGAGCGGCGATGACCCTGACCTGGGCCCAGCTCA[C>T]GTGGTAACCTGGCTTCCCAGGGGCAGACACTAAGTCAGAGCCTCACGACTTTCCTGGACA-3'
Protein context (NP_077310.1, residues 249-269): SGDDPDLGPA[His259=]VVTVIARQRG